The following is an entry in ClinVar:

NM_178857.6(RP1L1):c.2596C>T (p.Arg866Cys)

Gene: RP1L1 (RP1 like 1). Cytogenetic location: 8p23.1.
Variant type: single nucleotide variant.
Coding change: c.2596C>T on transcript NM_178857.6 (MANE Select); coding-DNA position 2596, C replaced by T.
Protein change: p.Arg866Cys; replaces arginine 866 with cysteine.
Molecular consequence: missense variant.
Genome position (GRCh38, 1-based): chr8:10,611,502, G>A on the plus strand (C>T on the coding strand, the complement: RP1L1 is on the minus strand). VCF-style: chr8-10611502-G-A. GRCh37 (hg19) VCF-style: chr8-10469012-G-A.
Other names: c.2596C>T (NM_178857.5); short protein forms R866C.
Identifiers: ClinVar variation 3028022 (VCV003028022.2), dbSNP rs760657386, ClinGen allele CA4624772.
Genomic context (GRCh38, chr8:10,611,502, plus strand): 5'-CACCTGGCCCCCGGGCAGTGCTTTGGTGGCTGCTGCCGGTGCTCCCACAGCTGGAAGAGC[G>A]CCTCTGGGGGCAGGGCCGCCCCCTGGGCGGGGTGGGACAGTACCTGCCACACAGCCAGCT-3'
Protein context (NP_849188.4, residues 856-876): PPRGRPCPQR[Arg866Cys]SSSCGSTGSS

ClinVar aggregate classification (germline): Uncertain significance. Review status: criteria provided, multiple submitters, no conflicts (2 of 4 stars). 2 submissions from 2 submitters: Uncertain significance (2). Last evaluated 2026-09-25.

Conditions:
Retinal dystrophy. Also called: Inherited retinal dystrophy. Identifiers: Orphanet 71862, MedGen C0854723, MeSH D058499, MONDO:0019118, HP:0000556.
RP1L1-related disorder. Also called: RP1L1-related condition.

Allele frequency attached by ClinVar (database versions not stated): gnomAD exomes 0.00002; ExAC 0.00003; gnomAD 0.00007; TOPMed 0.00008.
gnomAD v4.1: 46 of 1,574,748 alleles (0.0029%); highest among the groups gnomAD compares: African/African-American, 0.0081%; no homozygotes.

Submissions (2):

PreventionGenetics, part of Exact Sciences
Classification: Uncertain significance for RP1L1-related condition. Last evaluated: 2026-09-25. Review status: criteria provided, single submitter. Criteria: ACMG Guidelines, 2015. Collection method: clinical testing. Allele origin: germline.
Comment: The RP1L1 c.2596C>T variant is predicted to result in the amino acid substitution p.Arg866Cys. To our knowledge, this variant has not been reported in the literature. This variant is present in 0.011% of alleles in individuals of African descent in gnomAD. At this time, the clinical significance of this variant is uncertain due to the absence of conclusive functional and genetic evidence.

Dept Of Ophthalmology, Nagoya University
Classification: Uncertain significance for Retinal dystrophy. Last evaluated: 2023-10-01. Review status: criteria provided, single submitter. Criteria: Submitter's publication. Collection method: research. Allele origin: germline. Affected: yes.